The following is an entry in ClinVar:

ClinVar aggregate classification (germline): Uncertain significance (1 of 4 stars; one submission).

Submission:

Labcorp Genetics (formerly Invitae), Labcorp
Classification: Uncertain significance. Last evaluated: 2025-10-21. Review status: criteria provided, single submitter. Criteria: Invitae Variant Classification Sherloc (09022015). Collection method: clinical testing. Allele origin: germline.
Comment: This sequence change falls in intron 28 of the TNS2 gene. It does not directly change the encoded amino acid sequence of the TNS2 protein. It affects a nucleotide within the consensus splice site. This variant is not present in population databases (gnomAD no frequency). This variant has not been reported in the literature in individuals affected with TNS2-related conditions. Variants that disrupt the consensus splice site are a relatively common cause of aberrant splicing (PMID: 17576681, 9536098). Algorithms developed to predict the effect of sequence changes on RNA splicing suggest that this variant is not likely to affect RNA splicing. In summary, the available evidence is currently insufficient to determine the role of this variant in disease. Therefore, it has been classified as a Variant of Uncertain Significance.

Literature cited by the submitters: PubMed 17576681; PubMed 9536098.

NM_170754.4(TNS2):c.4092-3del

Gene: TNS2 (tensin 2; plus strand). Cytogenetic location: 12q13.13.
Variant type: Deletion.
Coding change: c.4092-3del on transcript NM_170754.4 (MANE Select); 3 bases into the intron before coding-DNA position 4092, one base deleted (T; older notation c.4092-3delT).
Molecular consequence: intron variant.
Genome position (GRCh38, 1-based): chr12:53,063,741, T deleted. VCF-style (leftmost placement, unchanged base first): chr12-53063740-CT-C. GRCh37 (hg19) VCF-style: chr12-53457524-CT-C.
Other names: c.3720-3del (NM_198316.2); c.4092-3del (NM_001416202.1); c.4050-3del (NM_001416203.1); c.4023-3del (NM_015319.3); c.4119-3del (NM_001416204.1).
Identifiers: ClinVar variation 4722549 (VCV004722549.1).